The following is an entry in ClinVar:

ClinVar aggregate classification (germline): Likely benign. Review status: criteria provided, multiple submitters, no conflicts (2 of 4 stars). 3 submissions from 3 submitters: Likely benign (3). Last evaluated 2026-01-14.

Conditions:
Primary ciliary dyskinesia. Also called: Ciliary dyskinesia. Identifiers: Orphanet 244, MedGen C0008780, MONDO:0016575, HP:0012265.

Allele frequency attached by ClinVar (database versions not stated): gnomAD 0.00001; ExAC 0.00003; gnomAD exomes 0.00003 and 0.00010.
gnomAD v4.1: 106 of 1,207,699 alleles (0.0088%); highest among the groups gnomAD compares: Non-Finnish European, 0.012%; no homozygotes.

Submissions (3):

Labcorp Genetics (formerly Invitae), Labcorp
Classification: Likely benign for Primary ciliary dyskinesia. Last evaluated: 2026-01-14. Review status: criteria provided, single submitter. Criteria: Invitae Variant Classification Sherloc (09022015). Collection method: clinical testing. Allele origin: germline.

CeGaT Center for Human Genetics Tuebingen
Classification: Likely benign. Last evaluated: 2022-07-01. Review status: criteria provided, single submitter. Criteria: CeGaT Center For Human Genetics Tuebingen Variant Classification Criteria Version 2. Collection method: clinical testing. Allele origin: germline. Affected: yes. Observed: 1 variant allele.
Comment: RPGR: BP4, BP7

Blueprint Genetics
Classification: Likely benign. Last evaluated: 2022-06-17. Review status: criteria provided, single submitter. Criteria: ACMG Guidelines, 2015. Collection method: clinical testing. Allele origin: germline.

NM_001034853.2(RPGR):c.1356G>A (p.Glu452=)

Gene: RPGR (retinitis pigmentosa GTPase regulator; minus strand). Cytogenetic location: Xp11.4.
Variant type: single nucleotide variant.
Coding change: c.1356G>A on transcript NM_001034853.2 (MANE Select); coding-DNA position 1356, G replaced by A.
Protein change: p.Glu452=; no amino-acid change (glutamic acid 452 retained).
Molecular consequence: synonymous variant. On other transcripts: non-coding transcript variant (6).
Genome position (GRCh38, 1-based): chrX:38,297,342, C>T on the plus strand (G>A on the coding strand, the complement: RPGR is on the minus strand). VCF-style: chrX-38297342-C-T. GRCh37 (hg19) VCF-style: chrX-38156595-C-T.
Other names: c.1356G>A, p.Glu452= (NM_000328.3, NM_001367247.1); c.1353G>A, p.Glu451= (NM_001367245.1, NM_001367249.1, NM_001367250.1); c.1170G>A, p.Glu390= (NM_001367246.1, NM_001367251.1); c.1386G>A, p.Glu462= (NM_001367248.1).
Identifiers: ClinVar variation 700081 (VCV000700081.40), dbSNP rs763638295, ClinGen allele CA10385490.